The following is an entry in ClinVar:

NM_018699.4(PRDM5):c.830A>C (p.Asp277Ala)

Gene: PRDM5 (PR/SET domain 5; minus strand). Cytogenetic location: 4q27.
Variant type: single nucleotide variant.
Coding change: c.830A>C on transcript NM_018699.4 (MANE Select); coding-DNA position 830, A replaced by C.
Protein change: p.Asp277Ala; replaces aspartic acid 277 with alanine.
Molecular consequence: missense variant.
Genome position (GRCh38, 1-based): chr4:120,816,488, T>G on the plus strand (A>C on the coding strand, the complement: PRDM5 is on the minus strand). VCF-style: chr4-120816488-T-G. GRCh37 (hg19) VCF-style: chr4-121737643-T-G.
Other names: c.737A>C, p.Asp246Ala (NM_001300823.2, NM_001300824.2, NM_001379106.1); c.830A>C, p.Asp277Ala (NM_001379104.1); short protein forms D277A, D246A.
Identifiers: ClinVar variation 1762857 (VCV001762857.2), dbSNP rs1409904566, ClinGen allele CA358207449.
Genomic context (GRCh38, chr4:120,816,488, plus strand): 5'-AAACGACCCTCCAACGACTCCTCACCAGTGTGGACATTTTCCTGGTGTCTTTTCAGGGCA[T>G]CCTTGCTCTTCAGCCTCTTTCCACAGCTGTCAGCCTTGCACACAAACCTGGCATCCCCCC-3'
Protein context (NP_061169.2, residues 267-287): DSCGKRLKSK[Asp277Ala]ALKRHQENVH

ClinVar aggregate classification (germline): Uncertain significance (1 of 4 stars; one submission).

Conditions:
Cardiovascular phenotype. Identifiers: MedGen CN230736.

Allele frequency attached by ClinVar (database versions not stated): gnomAD exomes below 0.00001; gnomAD 0.00001.
gnomAD v4.1: 2 of 1,614,092 alleles (0.00012%); highest among the groups gnomAD compares: African/African-American, 0.0013%; no homozygotes.

Submission:

Ambry Genetics
Classification: Uncertain significance for Cardiovascular phenotype. Last evaluated: 2022-06-22. Review status: criteria provided, single submitter. Criteria: Ambry Variant Classification Scheme 2023. Collection method: clinical testing. Allele origin: germline.
Comment: The p.D277A variant (also known as c.830A>C), located in coding exon 7 of the PRDM5 gene, results from an A to C substitution at nucleotide position 830. The aspartic acid at codon 277 is replaced by alanine, an amino acid with dissimilar properties. This amino acid position is conserved. In addition, this alteration is predicted to be tolerated by in silico analysis. Since supporting evidence is limited at this time, the clinical significance of this alteration remains unclear.